The following is an entry in ClinVar:

NM_000361.3(THBD):c.479T>C (p.Val160Ala)

Gene: THBD (thrombomodulin; minus strand). Cytogenetic location: 20p11.21.
Variant type: single nucleotide variant.
Coding change: c.479T>C on transcript NM_000361.3 (MANE Select); coding-DNA position 479, T replaced by C.
Protein change: p.Val160Ala; replaces valine 160 with alanine.
Molecular consequence: missense variant.
Genome position (GRCh38, 1-based): chr20:23,049,026, A>G on the plus strand (T>C on the coding strand, the complement: THBD is on the minus strand). VCF-style: chr20-23049026-A-G. GRCh37 (hg19) VCF-style: chr20-23029663-A-G.
Other names: short protein forms V160A.
Identifiers: ClinVar variation 2867749 (VCV002867749.3), dbSNP rs773131161, ClinGen allele CA9787730.

ClinVar aggregate classification (germline): Uncertain significance (1 of 4 stars; one submission).

Allele frequency attached by ClinVar (database versions not stated): gnomAD exomes below 0.00001; TOPMed 0.00001; ExAC 0.00003.

Submission:

Labcorp Genetics (formerly Invitae), Labcorp
Classification: Uncertain significance. Last evaluated: 2023-12-27. Review status: criteria provided, single submitter. Criteria: Invitae Variant Classification Sherloc (09022015). Collection method: clinical testing. Allele origin: germline.
Comment: This sequence change replaces valine, which is neutral and non-polar, with alanine, which is neutral and non-polar, at codon 160 of the THBD protein (p.Val160Ala). This variant is present in population databases (rs773131161, gnomAD 0.001%). This variant has not been reported in the literature in individuals affected with THBD-related conditions. Advanced modeling of protein sequence and biophysical properties (such as structural, functional, and spatial information, amino acid conservation, physicochemical variation, residue mobility, and thermodynamic stability) performed at Invitae indicates that this missense variant is not expected to disrupt THBD protein function with a negative predictive value of 80%. In summary, the available evidence is currently insufficient to determine the role of this variant in disease. Therefore, it has been classified as a Variant of Uncertain Significance.